The following is an entry in ClinVar:

NM_201384.3(PLEC):c.4927C>T (p.Arg1643Trp)

Gene: PLEC (plectin; minus strand). Cytogenetic location: 8q24.3.
Variant type: single nucleotide variant.
Coding change: c.4927C>T on transcript NM_201384.3 (MANE Select); coding-DNA position 4927, C replaced by T.
Protein change: p.Arg1643Trp; replaces arginine 1643 with tryptophan.
Molecular consequence: missense variant.
Genome position (GRCh38, 1-based): chr8:143,925,002, G>A on the plus strand (C>T on the coding strand, the complement: PLEC is on the minus strand). VCF-style: chr8-143925002-G-A. GRCh37 (hg19) VCF-style: chr8-144999170-G-A.
Other names: c.5008C>T (NM_000445.3); c.5008C>T, p.Arg1670Trp (NM_000445.5); c.4885C>T, p.Arg1629Trp (NM_201378.4); c.4861C>T, p.Arg1621Trp (NM_201379.3); c.5338C>T, p.Arg1780Trp (NM_201380.4); c.4831C>T, p.Arg1611Trp (NM_201381.3); c.4927C>T, p.Arg1643Trp (NM_201382.4); c.4939C>T, p.Arg1647Trp (NM_201383.3); short protein forms R1629W, R1780W, R1643W, R1670W, R1621W, R1647W, R1611W.
Identifiers: ClinVar variation 651762 (VCV000651762.9), dbSNP rs782034297, ClinGen allele CA4926498.
Genomic context (GRCh38, chr8:143,925,002, plus strand): 5'-CAGCCTCGGCCTGCGCCAGGCTCTTCTGCTGCGCCACCTCCTCCGCCTGCAGCCGCAGCC[G>A]TAGCGCCTCGTTGGCCTTGAGCTGCCAGCGCTCCAGCTCCCGCTCTGCCTCCTCGCGCGC-3'
Protein context (NP_958786.1, residues 1633-1653): RWQLKANEAL[Arg1643Trp]LRLQAEEVAQ

ClinVar aggregate classification (germline): Uncertain significance. Review status: criteria provided, multiple submitters, no conflicts (2 of 4 stars). 2 submissions from 2 submitters: Uncertain significance (2). Last evaluated 2024-05-21.

Conditions:
Epidermolysis bullosa simplex, Ogna type (EBS5A). Also called: Pidermolysis bullosa simplex 5A, Ogna type; EPIDERMOLYSIS BULLOSA SIMPLEX 5A, OGNA TYPE. Identifiers: Orphanet 79401, MedGen C0432317, MONDO:0007555, OMIM 131950.
Epidermolysis bullosa simplex 5C, with pyloric atresia (EBS5C). Also called: Epidermolysis bullosa simplex with pyloric atresia; PLEC-Related Epidermolysis Bullosa with Pyloric Atresia; PLEC1-Related Epidermolysis Bullosa with Pyloric Atresia. Identifiers: Orphanet 158684, MedGen C2677349, MONDO:0012807, OMIM 612138.
Epidermolysis bullosa simplex with nail dystrophy (EBS5D). Identifiers: MedGen C4225309, MONDO:0014661, OMIM 616487.
Epidermolysis bullosa simplex 5B, with muscular dystrophy (EBS5B). Also called: EPIDERMOLYSIS BULLOSA SIMPLEX AND LIMB-GIRDLE MUSCULAR DYSTROPHY; Epidermolysis bullosa simplex with muscular dystrophy. Identifiers: Orphanet 257, MedGen C2931072, MONDO:0009181, OMIM 226670.
Autosomal recessive limb-girdle muscular dystrophy type 2Q (LGMDR17). Also called: MUSCULAR DYSTROPHY, LIMB-GIRDLE, AUTOSOMAL RECESSIVE 17. Identifiers: Orphanet 254361, MedGen C3150989, MONDO:0013390, OMIM 613723.

Allele frequency attached by ClinVar (database versions not stated): gnomAD 0.00006; TOPMed 0.00006; gnomAD exomes 0.00008 and 0.00018; ExAC 0.00014.

Submissions (2):

Labcorp Genetics (formerly Invitae), Labcorp
Classification: Uncertain significance for Autosomal recessive limb-girdle muscular dystrophy type 2Q; Epidermolysis bullosa simplex, Ogna type; Epidermolysis bullosa simplex with nail dystrophy; Epidermolysis bullosa simplex 5C, with pyloric atresia; Epidermolysis bullosa simplex 5B, with muscular dystrophy. Last evaluated: 2024-05-21. Review status: criteria provided, single submitter. Criteria: Invitae Variant Classification Sherloc (09022015). Collection method: clinical testing. Allele origin: germline.
Comment: This sequence change replaces arginine, which is basic and polar, with tryptophan, which is neutral and slightly polar, at codon 1670 of the PLEC protein (p.Arg1670Trp). The frequency data for this variant in the population databases is considered unreliable, as metrics indicate poor data quality at this position in the gnomAD database. This variant has not been reported in the literature in individuals affected with PLEC-related conditions. ClinVar contains an entry for this variant (Variation ID: 651762). Advanced modeling of protein sequence and biophysical properties (such as structural, functional, and spatial information, amino acid conservation, physicochemical variation, residue mobility, and thermodynamic stability) performed at Invitae indicates that this missense variant is not expected to disrupt PLEC protein function with a negative predictive value of 80%. In summary, the available evidence is currently insufficient to determine the role of this variant in disease. Therefore, it has been classified as a Variant of Uncertain Significance.

Revvity Omics, Revvity
Classification: Uncertain significance. Last evaluated: 2023-10-16. Review status: criteria provided, single submitter. Criteria: ACMG Guidelines, 2015. Collection method: clinical testing. Allele origin: germline.